The following is an entry in ClinVar:

ClinVar aggregate classification (germline): Pathogenic (1 of 4 stars; one submission).

Submission:

Labcorp Genetics (formerly Invitae), Labcorp
Classification: Pathogenic. Last evaluated: 2023-11-17. Review status: criteria provided, single submitter. Criteria: Invitae Variant Classification Sherloc (09022015). Collection method: clinical testing. Allele origin: unknown.
Comment: This variant is a gross deletion of the genomic region encompassing exon(s) 11-18 of the SLC26A4 gene. This deletion is out-of-frame, and is expected to create a premature termination codon and result in an absent or disrupted protein product. Loss-of-function variants in SLC26A4 are known to be pathogenic (PMID: 16283880, 25394566, 26252218, 26445815). A similar copy number variant has been observed in individual(s) with deafness (PMID: 19287372). For these reasons, this variant has been classified as Pathogenic.

Literature cited by the submitters: PubMed 16283880; PubMed 25394566; PubMed 26252218; PubMed 26445815; PubMed 19287372.

NC_000007.13:g.(?_107334828)_(107344850_?)del

Gene: SLC26A4 (solute carrier family 26 member 4; plus strand). Cytogenetic location: 7q22.3.
Variant type: Deletion.
Identifiers: ClinVar variation 3245847 (VCV003245847.1).